The following is an entry in ClinVar:

NM_001035.3(RYR2):c.6995G>A (p.Gly2332Asp)

Gene: RYR2 (ryanodine receptor 2; plus strand). Cytogenetic location: 1q43.
Variant type: single nucleotide variant.
Coding change: c.6995G>A on transcript NM_001035.3 (MANE Select); coding-DNA position 6995, G replaced by A.
Protein change: p.Gly2332Asp; replaces glycine 2332 with aspartic acid.
Molecular consequence: missense variant.
Genome position (GRCh38, 1-based): chr1:237,639,081, G>A. VCF-style: chr1-237639081-G-A. GRCh37 (hg19) VCF-style: chr1-237802381-G-A.
Other names: short protein forms G2332D.
Identifiers: ClinVar variation 3385773 (VCV003385773.1).
Genomic context (GRCh38, chr1:237,639,081, plus strand): 5'-GTGTGGAGGAAAATGCAAATGTCGTGGTGAGATTGCTCATTCGGAGGCCTGAGTGTTTTG[G>A]TCCTGCTTTGAGAGGAGAAGGTGGGAATGGGCTTCTTGCAGCAATGGAAGAAGCCATCAA-3'
Protein context (NP_001026.2, residues 2322-2342): RLLIRRPECF[Gly2332Asp]PALRGEGGNG

ClinVar aggregate classification (germline): Uncertain significance (1 of 4 stars; one submission).

Conditions:
Catecholaminergic polymorphic ventricular tachycardia (CVPT). Also called: Catecholamine-induced polymorphic ventricular tachycardia. Identifiers: Orphanet 3286, MedGen C5574922, MONDO:0017990.

Submission:

All of Us Research Program, National Institutes of Health
Classification: Uncertain significance for Catecholaminergic polymorphic ventricular tachycardia. Last evaluated: 2024-06-09. Review status: criteria provided, single submitter. Criteria: ACMG Guidelines, 2015. Collection method: clinical testing. Allele origin: germline. Inheritance: Autosomal dominant inheritance. Observed: 1 variant allele, 1 heterozygote.
Comment: This missense variant replaces glycine with aspartic acid at codon 2332 of the RYR2 protein. Computational prediction suggests that this variant may have deleterious impact on protein structure and function (internally defined REVEL score threshold >= 0.7, PMID: 27666373). To our knowledge, functional studies have not been reported for this variant. This variant has not been reported in individuals affected with RYR2-related disorders in the literature. This variant has not been identified in the general population by the Genome Aggregation Database (gnomAD). The available evidence is insufficient to determine the role of this variant in disease conclusively. Therefore, this variant is classified as a Variant of Uncertain Significance.

This study involves interpretation of variants in research participants for the purpose of population health screening. Participant phenotype was not available at the time of variant classification. Additional details can be found in publication PMID: 35346344, PMCID: PMC8962531